The following is an entry in ClinVar:

NM_033380.3(COL4A5):c.3442C>T (p.Pro1148Ser)

Gene: COL4A5 (collagen type IV alpha 5 chain; plus strand). Cytogenetic location: Xq22.3.
Variant type: single nucleotide variant.
Coding change: c.3442C>T on transcript NM_033380.3 (MANE Select); coding-DNA position 3442, C replaced by T.
Protein change: p.Pro1148Ser; replaces proline 1148 with serine.
Molecular consequence: missense variant.
Genome position (GRCh38, 1-based): chrX:108,665,575, C>T. VCF-style: chrX-108665575-C-T. GRCh37 (hg19) VCF-style: chrX-107908805-C-T.
Other names: c.3442C>T, p.Pro1148Ser (NM_000495.5); short protein forms P1148S.
Identifiers: ClinVar variation 4796785 (VCV004796785.3).

ClinVar aggregate classification (germline): Uncertain significance. Review status: criteria provided, multiple submitters, no conflicts (2 of 4 stars). 2 submissions from 2 submitters: Uncertain significance (2). Last evaluated 2026-02-11.

Conditions:
X-linked Alport syndrome (ATS1). Also called: COL4A5-Related Nephropathy; NEPHROPATHY AND DEAFNESS, X-LINKED. Identifiers: Orphanet 63, Orphanet 88917, MedGen C4746986, MONDO:0010520, OMIM 301050.

gnomAD v4.1: 1 of 1,196,453 alleles (0.000084%); highest among the groups gnomAD compares: Non-Finnish European, 0.00011%; no homozygotes.

Submissions (2):

MVZ Medizinische Genetik Mainz
Classification: Uncertain significance for X-linked Alport syndrome. Last evaluated: 2026-02-11. Review status: criteria provided, single submitter. Criteria: UK Practice Guidelines For Variant Classification V4 01 2020. Collection method: clinical testing. Allele origin: germline. Inheritance: X-linked dominant inheritance. Affected: yes. Observed: 1 variant allele.
Comment: ACMG Criteria: PM2_SUP,PP3

Dasa
Classification: Uncertain significance. Last evaluated: 2024-12-06. Review status: criteria provided, single submitter. Criteria: DASA Assertion Criteria. Collection method: clinical testing. Allele origin: germline.
Comment: NM_033380.3(COL4A5):c.3442C>T (p.Pro1148Ser) is a missense variant that results in the substitution of proline with serine. This variant is rare in population databases. The currently available literature and clinical evidence are not sufficient to establish a definitive association between this variant and the reported condition. Therefore, this variant is classified as a variant of uncertain significance.